The following is an entry in ClinVar:

NM_002894.3(RBBP8):c.2099T>C (p.Leu700Pro)

Gene: RBBP8 (RB binding protein 8, endonuclease; plus strand). Cytogenetic location: 18q11.2.
Variant type: single nucleotide variant.
Coding change: c.2099T>C on transcript NM_002894.3 (MANE Select); coding-DNA position 2099, T replaced by C.
Protein change: p.Leu700Pro; replaces leucine 700 with proline.
Molecular consequence: missense variant.
Genome position (GRCh38, 1-based): chr18:22,997,690, T>C. VCF-style: chr18-22997690-T-C. GRCh37 (hg19) VCF-style: chr18-20577653-T-C.
Other names: c.2099T>C, p.Leu700Pro (NM_203291.2, NM_203292.2); short protein forms L700P.
Identifiers: ClinVar variation 2077895 (VCV002077895.1), dbSNP rs374735599, ClinGen allele CA8910252.

ClinVar aggregate classification (germline): Uncertain significance (1 of 4 stars; one submission).

Allele frequency attached by ClinVar (database versions not stated): ExAC 0.00001; TOPMed 0.00002; gnomAD 0.00004; gnomAD exomes 0.00006; ESP Exome Variant Server 0.00008.
gnomAD v4.1: 89 of 1,609,152 alleles (0.0055%); highest among the groups gnomAD compares: Non-Finnish European, 0.0075%; 1 homozygote.

Submission:

Labcorp Genetics (formerly Invitae), Labcorp
Classification: Uncertain significance. Last evaluated: 2022-01-05. Review status: criteria provided, single submitter. Criteria: Invitae Variant Classification Sherloc (09022015). Collection method: clinical testing. Allele origin: germline.
Comment: This sequence change replaces leucine, which is neutral and non-polar, with proline, which is neutral and non-polar, at codon 700 of the RBBP8 protein (p.Leu700Pro). This variant is present in population databases (rs374735599, gnomAD 0.002%). This variant has not been reported in the literature in individuals affected with RBBP8-related conditions. Algorithms developed to predict the effect of missense changes on protein structure and function are either unavailable or do not agree on the potential impact of this missense change (SIFT: "Deleterious"; PolyPhen-2: "Probably Damaging"; Align-GVGD: "Class C0"). In summary, the available evidence is currently insufficient to determine the role of this variant in disease. Therefore, it has been classified as a Variant of Uncertain Significance.